The following is an entry in ClinVar:

NM_000199.5(SGSH):c.181C>T (p.Arg61Cys)

Gene: SGSH (N-sulfoglucosamine sulfohydrolase; minus strand). Cytogenetic location: 17q25.3.
Variant type: single nucleotide variant.
Coding change: c.181C>T on transcript NM_000199.5 (MANE Select); coding-DNA position 181, C replaced by T.
Protein change: p.Arg61Cys; replaces arginine 61 with cysteine.
Molecular consequence: missense variant. On other transcripts: non-coding transcript variant (1).
Genome position (GRCh38, 1-based): chr17:80,217,100, G>A on the plus strand (C>T on the coding strand, the complement: SGSH is on the minus strand). VCF-style: chr17-80217100-G-A. GRCh37 (hg19) VCF-style: chr17-78190899-G-A.
Other names: c.181C>T, p.Arg61Cys (NM_001352921.3, NM_001352922.2); short protein forms R61C.
Identifiers: ClinVar variation 559107 (VCV000559107.19), dbSNP rs142309764, ClinGen allele CA8818148.

ClinVar aggregate classification (germline): Likely benign. Review status: criteria provided, multiple submitters, no conflicts (2 of 4 stars). 5 submissions from 5 submitters: Likely benign (2). 3 of the submissions do not count toward it. Last evaluated 2026-01-25.

Conditions:
Mucopolysaccharidosis, MPS-III-A (MPS3A). Also called: Mucopolysaccharidosis, type IIIA; MPS IIIA (Sanfilippo Syndrome Type A); MPS III A; SANFILIPPO SYNDROME A; SULFAMIDASE DEFICIENCY; Mucopolysaccharidosis type IIIA (Sanfilippo A). Identifiers: Orphanet 581, Orphanet 79269, MedGen C0086647, MONDO:0009655, OMIM 252900.
SGSH-related disorder. Also called: SGSH-related condition.

Allele frequency attached by ClinVar (database versions not stated): ESP Exome Variant Server 0.00077; 1000 Genomes Project 30x 0.00156; gnomAD exomes 0.00009 and 0.00025; gnomAD 0.00097 and 0.00103; TOPMed 0.00102; ExAC 0.00048; 1000 Genomes Project 0.00160.
gnomAD v4.1: 298 of 1,604,850 alleles (0.019%); highest among the groups gnomAD compares: African/African-American, 0.34%; 2 homozygotes.

Submissions (5):

Labcorp Genetics (formerly Invitae), Labcorp
Classification: Likely benign for Mucopolysaccharidosis, MPS-III-A. Last evaluated: 2026-01-25. Review status: criteria provided, single submitter. Criteria: Invitae Variant Classification Sherloc (09022015). Collection method: clinical testing. Allele origin: germline.

Blueprint Genetics
Classification: Likely benign. Last evaluated: 2024-02-12. Review status: criteria provided, single submitter. Criteria: ACMG Guidelines, 2015. Collection method: clinical testing. Allele origin: germline.

PreventionGenetics, part of Exact Sciences
Classification: Likely benign for SGSH-related condition. Last evaluated: 2024-04-16. Review status: no assertion criteria provided. Collection method: clinical testing. Allele origin: germline. Not counted in ClinVar's aggregate classification.
Comment: This variant is classified as likely benign based on ACMG/AMP sequence variant interpretation guidelines (Richards et al. 2015 PMID: 25741868, with internal and published modifications).

Natera, Inc.
Classification: Uncertain significance for Mucopolysaccharidosis type IIIA. Last evaluated: 2019-11-11. Review status: no assertion criteria provided. Collection method: clinical testing. Allele origin: germline. Not counted in ClinVar's aggregate classification.

Mayo Clinic Laboratories, Mayo Clinic
Classification: Uncertain significance. Last evaluated: 2017-05-17. Review status: no assertion criteria provided. Collection method: clinical testing. Allele origin: unknown. Not counted in ClinVar's aggregate classification.